The following is an entry in ClinVar:

ClinVar aggregate classification (germline): Uncertain significance. Review status: criteria provided, multiple submitters, no conflicts (2 of 4 stars). 5 submissions from 5 submitters: Uncertain significance (4). 1 of the submissions does not count toward it. Last evaluated 2026-01-15.

Conditions:
KIF1A-related disorder. Also called: KIF1A-related disorders; KIF1A-related condition.
Neuropathy, hereditary sensory, type 2C. Also called: Hereditary sensory and autonomic neuropathy type IIC; KIF1A-Related HSAN2 (HSAN2C). Identifiers: Orphanet 970, MedGen C3280168, MONDO:0013634, OMIM 614213.
Hereditary spastic paraplegia 30. Identifiers: Orphanet 101010, MedGen C5235139, MONDO:0012476.
Intellectual disability, autosomal dominant 9 (NESCAVS). Also called: KIF1A-Related Neurodevelopmental Disorder; NESCAV SYNDROME. Identifiers: Orphanet 662367, MedGen C5393830, MONDO:0013656, OMIM 614255.
Neuropathy, hereditary sensory and autonomic, type 2A (HSAN2A). Also called: WNK1-Related HSAN2 (HSAN2A); ACROOSTEOLYSIS, GIACCAI TYPE; ACROOSTEOLYSIS, NEUROGENIC; MORVAN DISEASE; NEUROPATHY, CONGENITAL SENSORY; NEUROPATHY, HEREDITARY SENSORY RADICULAR, AUTOSOMAL RECESSIVE. Identifiers: Orphanet 970, MedGen C2752089, MONDO:0024309, OMIM 201300.

Allele frequency attached by ClinVar (database versions not stated): ExAC 0.00001; gnomAD 0.00001 and 0.00002; gnomAD exomes 0.00001 and 0.00002; TOPMed 0.00003; ESP Exome Variant Server 0.00008.
gnomAD v4.1: 38 of 1,613,124 alleles (0.0024%); highest among the groups gnomAD compares: South Asian, 0.0077%; no homozygotes.

Submissions (5):

PreventionGenetics, part of Exact Sciences
Classification: Uncertain significance for KIF1A-related condition. Last evaluated: 2026-01-15. Review status: criteria provided, single submitter. Criteria: ACMG Guidelines, 2015. Collection method: clinical testing. Allele origin: germline.
Comment: The KIF1A c.2248G>A variant is predicted to result in the amino acid substitution p.Val750Met. To our knowledge, this variant has not been reported in the literature. This variant is reported in 0.0018% of alleles in individuals of European (non-Finnish) descent in gnomAD. At this time, the clinical significance of this variant is uncertain due to the absence of conclusive functional and genetic evidence.

Labcorp Genetics (formerly Invitae), Labcorp
Classification: Uncertain significance for Hereditary spastic paraplegia 30; Neuropathy, hereditary sensory, type 2C; Intellectual disability, autosomal dominant 9. Last evaluated: 2025-08-24. Review status: criteria provided, single submitter. Criteria: Invitae Variant Classification Sherloc (09022015). Collection method: clinical testing. Allele origin: germline.
Comment: This sequence change replaces valine, which is neutral and non-polar, with methionine, which is neutral and non-polar, at codon 741 of the KIF1A protein (p.Val741Met). This variant is present in population databases (rs374794257, gnomAD 0.003%). This variant has not been reported in the literature in individuals affected with KIF1A-related conditions. ClinVar contains an entry for this variant (Variation ID: 660749). Invitae Evidence Modeling of protein sequence and biophysical properties (such as structural, functional, and spatial information, amino acid conservation, physicochemical variation, residue mobility, and thermodynamic stability) has been performed for this missense variant. However, the output from this modeling did not meet the statistical confidence thresholds required to predict the impact of this variant on KIF1A protein function. In summary, the available evidence is currently insufficient to determine the role of this variant in disease. Therefore, it has been classified as a Variant of Uncertain Significance.

Fulgent Genetics
Classification: Uncertain significance for Neuropathy, hereditary sensory and autonomic, type 2A; Spastic paraplegia 30A, autosomal dominant; Neuropathy, hereditary sensory, type 2C; Intellectual disability, autosomal dominant 9. Last evaluated: 2021-11-11. Review status: criteria provided, single submitter. Criteria: ACMG Guidelines, 2015. Collection method: clinical testing. Allele origin: unknown.

GeneDx
Classification: Uncertain significance. Last evaluated: 2021-11-02. Review status: criteria provided, single submitter. Criteria: GeneDx Variant Classification Process June 2021. Collection method: clinical testing. Allele origin: germline. Affected: yes.
Comment: In silico analysis, which includes protein predictors and evolutionary conservation, supports a deleterious effect; Has not been previously published as pathogenic or benign to our knowledge

Genetics and Genomic Medicine Centre, NeuroGen Healthcare, NeuroGen Healthcare
Classification: Uncertain significance. Last evaluated: 2021-01-10. Review status: no assertion criteria provided. Collection method: clinical testing. Allele origin: unknown. Affected: yes. Not counted in ClinVar's aggregate classification.

NM_001244008.2(KIF1A):c.2248G>A (p.Val750Met)

Gene: KIF1A (kinesin family member 1A; minus strand). Cytogenetic location: 2q37.3.
Variant type: single nucleotide variant.
Coding change: c.2248G>A on transcript NM_001244008.2 (MANE Select); coding-DNA position 2248, G replaced by A.
Protein change: p.Val750Met; replaces valine 750 with methionine.
Molecular consequence: missense variant.
Genome position (GRCh38, 1-based): chr2:240,761,246, C>T on the plus strand (G>A on the coding strand, the complement: KIF1A is on the minus strand). VCF-style: chr2-240761246-C-T. GRCh37 (hg19) VCF-style: chr2-241700663-C-T.
Other names: c.2248G>A, p.Val750Met (NM_001320705.2, NM_001330289.2, NM_001379638.1); c.2323G>A, p.Val775Met (NM_001330290.2, NM_001379631.1, NM_001379634.1 and 2 more transcripts); c.2221G>A, p.Val741Met (NM_001379632.1, NM_001379633.1, NM_001379636.1 and 10 more transcripts); c.2296G>A, p.Val766Met (NM_001379637.1, NM_001379648.1); c.2248G>A (NM_001244008.1); short protein forms V750M, V775M, V741M, V766M.
Identifiers: ClinVar variation 660749 (VCV000660749.14), dbSNP rs374794257, ClinGen allele CA2208154.